The following is an entry in ClinVar:

ClinVar aggregate classification (germline): Uncertain significance (1 of 4 stars; one submission).

Allele frequency attached by ClinVar (database versions not stated): gnomAD exomes below 0.00001; ExAC 0.00001.

Submission:

Labcorp Genetics (formerly Invitae), Labcorp
Classification: Uncertain significance. Last evaluated: 2025-07-10. Review status: criteria provided, single submitter. Criteria: Invitae Variant Classification Sherloc (09022015). Collection method: clinical testing. Allele origin: germline.
Comment: This sequence change replaces cysteine, which is neutral and slightly polar, with tyrosine, which is neutral and polar, at codon 402 of the POLE protein (p.Cys402Tyr). This variant is present in population databases (rs773644963, gnomAD 0.006%). This variant has not been reported in the literature in individuals affected with POLE-related conditions. ClinVar contains an entry for this variant (Variation ID: 1418073). Invitae Evidence Modeling of protein sequence and biophysical properties (such as structural, functional, and spatial information, amino acid conservation, physicochemical variation, residue mobility, and thermodynamic stability) indicates that this missense variant is not expected to disrupt POLE protein function with a negative predictive value of 80%. In summary, the available evidence is currently insufficient to determine the role of this variant in disease. Therefore, it has been classified as a Variant of Uncertain Significance.

NM_006231.4(POLE):c.1205G>A (p.Cys402Tyr)

Gene: POLE (DNA polymerase epsilon, catalytic subunit; minus strand). Cytogenetic location: 12q24.33.
Variant type: single nucleotide variant.
Coding change: c.1205G>A on transcript NM_006231.4 (MANE Select); coding-DNA position 1205, G replaced by A.
Protein change: p.Cys402Tyr; replaces cysteine 402 with tyrosine.
Molecular consequence: missense variant.
Genome position (GRCh38, 1-based): chr12:132,675,419, C>T on the plus strand (G>A on the coding strand, the complement: POLE is on the minus strand). VCF-style: chr12-132675419-C-T. GRCh37 (hg19) VCF-style: chr12-133252005-C-T.
Other names: short protein forms C402Y.
Identifiers: ClinVar variation 1418073 (VCV001418073.6), dbSNP rs773644963, ClinGen allele CA6894048.